The following is an entry in ClinVar:

NM_005996.4(TBX3):c.195G>A (p.Met65Ile)

Genes: TBX3 (T-box transcription factor 3; minus strand), TBX3-AS1 (TBX3 antisense RNA 1; plus strand). Cytogenetic location: 12q24.21.
Variant type: single nucleotide variant.
Coding change: c.195G>A on transcript NM_005996.4 (MANE Select); coding-DNA position 195, G replaced by A.
Protein change: p.Met65Ile; replaces methionine 65 with isoleucine.
Molecular consequence: missense variant.
Genome position (GRCh38, 1-based): chr12:114,683,006, C>T on the plus strand (G>A on the coding strand, the complement: TBX3 is on the minus strand). VCF-style: chr12-114683006-C-T. GRCh37 (hg19) VCF-style: chr12-115120811-C-T.
Other names: c.195G>A, p.Met65Ile (NM_016569.4); short protein forms M65I.
Identifiers: ClinVar variation 4982675 (VCV004982675.1).

ClinVar aggregate classification (germline): Uncertain significance (1 of 4 stars; one submission).

Conditions:
TBX3-related disorder. Also called: TBX3-related condition.

Submission:

PreventionGenetics, part of Exact Sciences
Classification: Uncertain significance for TBX3-related condition. Last evaluated: 2024-10-22. Review status: criteria provided, single submitter. Criteria: ACMG Guidelines, 2015. Collection method: clinical testing. Allele origin: germline.
Comment: The TBX3 c.195G>A variant is predicted to result in the amino acid substitution p.Met65Ile. To our knowledge, this variant has not been reported in the literature. This variant is reported in 0.0029% of alleles in individuals of Latino descent in gnomAD. At this time, the clinical significance of this variant is uncertain due to the absence of conclusive functional and genetic evidence.